The following is an entry in ClinVar:

ClinVar aggregate classification (germline): Conflicting classifications of pathogenicity. Review status: criteria provided, conflicting classifications (1 of 4 stars). 2 submissions from 2 submitters: Uncertain significance (1); Likely benign (1). Last evaluated 2025-07-31.

Conditions:
Inborn genetic diseases. Identifiers: MedGen C0950123, MeSH D030342.
Nephronophthisis. Also called: Juvenile Nephronophthisis. Identifiers: Orphanet 655, MedGen C0687120, MONDO:0019005, HP:0000090.

Allele frequency attached by ClinVar (database versions not stated): TOPMed below 0.00001; gnomAD exomes 0.00001; gnomAD 0.00002.
gnomAD v4.1: 10 of 1,571,590 alleles (0.00064%); highest among the groups gnomAD compares: Non-Finnish European, 0.00086%; no homozygotes.

Submissions (2):

Ambry Genetics
Classification: Likely benign for Inborn genetic diseases. Last evaluated: 2025-07-31. Review status: criteria provided, single submitter. Criteria: Ambry Variant Classification Scheme 2023. Collection method: clinical testing. Allele origin: germline.

Labcorp Genetics (formerly Invitae), Labcorp
Classification: Uncertain significance for Nephronophthisis. Last evaluated: 2022-10-16. Review status: criteria provided, single submitter. Criteria: Invitae Variant Classification Sherloc (09022015). Collection method: clinical testing. Allele origin: germline.
Comment: This sequence change replaces serine, which is neutral and polar, with threonine, which is neutral and polar, at codon 1067 of the NPHP4 protein (p.Ser1067Thr). This variant is present in population databases (no rsID available, gnomAD 0.002%). This variant has not been reported in the literature in individuals affected with NPHP4-related conditions. ClinVar contains an entry for this variant (Variation ID: 1414721). Advanced modeling of protein sequence and biophysical properties (such as structural, functional, and spatial information, amino acid conservation, physicochemical variation, residue mobility, and thermodynamic stability) performed at Invitae indicates that this missense variant is not expected to disrupt NPHP4 protein function. In summary, the available evidence is currently insufficient to determine the role of this variant in disease. Therefore, it has been classified as a Variant of Uncertain Significance.

NM_015102.5(NPHP4):c.3200G>C (p.Ser1067Thr)

Gene: NPHP4 (nephrocystin 4; minus strand). Cytogenetic location: 1p36.31.
Variant type: single nucleotide variant.
Coding change: c.3200G>C on transcript NM_015102.5 (MANE Select); coding-DNA position 3200, G replaced by C.
Protein change: p.Ser1067Thr; replaces serine 1067 with threonine.
Molecular consequence: missense variant. On other transcripts: non-coding transcript variant (1).
Genome position (GRCh38, 1-based): chr1:5,874,502, C>G on the plus strand (G>C on the coding strand, the complement: NPHP4 is on the minus strand). VCF-style: chr1-5874502-C-G. GRCh37 (hg19) VCF-style: chr1-5934562-C-G.
Other names: c.3200G>C (NM_015102.3); c.1661G>C, p.Ser554Thr (NM_001291593.2); c.1664G>C, p.Ser555Thr (NM_001291594.2); short protein forms S1067T, S555T, S554T.
Identifiers: ClinVar variation 1414721 (VCV001414721.6), dbSNP rs1313851585, ClinGen allele CA338055517.